The following is an entry in ClinVar:

ClinVar aggregate classification (germline): Uncertain significance (1 of 4 stars; one submission).

Conditions:
Kabuki syndrome. Also called: NIIKAWA-KUROKI SYNDROME; Kabuki make-up syndrome. Identifiers: Orphanet 2322, MedGen C0796004, MONDO:0016512.

Allele frequency attached by ClinVar (database versions not stated): gnomAD 0.00001; gnomAD exomes 0.00001.
gnomAD v4.1: 9 of 1,607,872 alleles (0.00056%); highest among the groups gnomAD compares: Non-Finnish European, 0.00077%; no homozygotes.

Submission:

Labcorp Genetics (formerly Invitae), Labcorp
Classification: Uncertain significance for Kabuki syndrome. Last evaluated: 2024-07-30. Review status: criteria provided, single submitter. Criteria: Invitae Variant Classification Sherloc (09022015). Collection method: clinical testing. Allele origin: germline.
Comment: This sequence change replaces phenylalanine, which is neutral and non-polar, with leucine, which is neutral and non-polar, at codon 2408 of the KMT2D protein (p.Phe2408Leu). This variant is present in population databases (no rsID available, gnomAD 0.002%). This variant has not been reported in the literature in individuals affected with KMT2D-related conditions. Advanced modeling of protein sequence and biophysical properties (such as structural, functional, and spatial information, amino acid conservation, physicochemical variation, residue mobility, and thermodynamic stability) performed at Invitae indicates that this missense variant is not expected to disrupt KMT2D protein function with a negative predictive value of 95%. In summary, the available evidence is currently insufficient to determine the role of this variant in disease. Therefore, it has been classified as a Variant of Uncertain Significance.

NM_003482.4(KMT2D):c.7222T>C (p.Phe2408Leu)

Gene: KMT2D (lysine methyltransferase 2D; minus strand). Cytogenetic location: 12q13.12.
Variant type: single nucleotide variant.
Coding change: c.7222T>C on transcript NM_003482.4 (MANE Select); coding-DNA position 7222, T replaced by C.
Protein change: p.Phe2408Leu; replaces phenylalanine 2408 with leucine.
Molecular consequence: missense variant.
Genome position (GRCh38, 1-based): chr12:49,040,548, A>G on the plus strand (T>C on the coding strand, the complement: KMT2D is on the minus strand). VCF-style: chr12-49040548-A-G. GRCh37 (hg19) VCF-style: chr12-49434331-A-G.
Other names: short protein forms F2408L.
Identifiers: ClinVar variation 2713574 (VCV002713574.3), dbSNP rs1438558603, ClinGen allele CA384748141.